The following is an entry in ClinVar:

ClinVar aggregate classification (germline): Uncertain significance (1 of 4 stars; one submission).

Conditions:
Familial hemophagocytic lymphohistiocytosis 3 (FHL3). Also called: UNC13D-Related Familial Hemophagocytic Lymphohistiocytosis (UNC13D-fHLH). Identifiers: Orphanet 540, MedGen C1837174, MONDO:0012146, OMIM 608898.

Submission:

Labcorp Genetics (formerly Invitae), Labcorp
Classification: Uncertain significance for Familial hemophagocytic lymphohistiocytosis 3. Last evaluated: 2022-09-01. Review status: criteria provided, single submitter. Criteria: Invitae Variant Classification Sherloc (09022015). Collection method: clinical testing. Allele origin: germline.
Comment: This sequence change replaces serine, which is neutral and polar, with asparagine, which is neutral and polar, at codon 401 of the UNC13D protein (p.Ser401Asn). This variant is present in population databases (no rsID available, gnomAD 0.2%). This variant has not been reported in the literature in individuals with UNC13D-related conditions. ClinVar contains an entry for this variant (Variation ID: 857550). Algorithms developed to predict the effect of missense changes on protein structure and function output the following: SIFT: "Not Available"; PolyPhen-2: "Benign"; Align-GVGD: "Not Available". The asparagine amino acid residue is found in multiple mammalian species, which suggests that this missense change does not adversely affect protein function. In summary, the available evidence is currently insufficient to determine the role of this variant in disease. Therefore, it has been classified as a Variant of Uncertain Significance.

NM_199242.3(UNC13D):c.1201_1202delinsAA (p.Ser401Asn)

Gene: UNC13D (unc-13 homolog D; minus strand). Cytogenetic location: 17q25.1.
Variant type: Indel.
Coding change: c.1201_1202delinsAA on transcript NM_199242.3 (MANE Select); coding-DNA positions 1201 to 1202, TC replaced by AA.
Protein change: p.Ser401Asn; replaces serine 401 with asparagine.
Molecular consequence: missense variant.
Genome position (GRCh38, 1-based): chr17:75,836,668-75,836,669, GA replaced by TT on the plus strand (TC replaced by AA on the coding strand, the reverse complement: UNC13D is on the minus strand). VCF-style: chr17-75836668-GA-TT. GRCh37 (hg19) VCF-style: chr17-73832749-GA-TT.
Other names: short protein forms S401N.
Identifiers: ClinVar variation 857550 (VCV000857550.7), dbSNP rs2064911558, ClinGen allele CA916081205.